The following is an entry in ClinVar:

ClinVar aggregate classification (germline): Uncertain significance. Review status: criteria provided, multiple submitters, no conflicts (2 of 4 stars). 3 submissions from 3 submitters: Uncertain significance (3). Last evaluated 2025-01-08.

Conditions:
Parkinsonian-pyramidal syndrome. Also called: PARKINSON DISEASE 15, AUTOSOMAL RECESSIVE; PARKINSON DISEASE 15, AUTOSOMAL RECESSIVE EARLY-ONSET; PALLIDOPYRAMIDAL SYNDROME. Identifiers: Orphanet 171695, MedGen C1850100, MONDO:0009830, OMIM 260300.
Inborn genetic diseases. Identifiers: MedGen C0950123, MeSH D030342.

Allele frequency attached by ClinVar (database versions not stated): ExAC 0.00004; gnomAD exomes 0.00004; TOPMed 0.00007; ESP Exome Variant Server 0.00015.
gnomAD v4.1: 140 of 1,614,052 alleles (0.0087%); highest among the groups gnomAD compares: Non-Finnish European, 0.011%; no homozygotes.

Submissions (3):

Ambry Genetics
Classification: Uncertain significance for Inborn genetic diseases. Last evaluated: 2025-01-08. Review status: criteria provided, single submitter. Criteria: Ambry Variant Classification Scheme 2023. Collection method: clinical testing. Allele origin: germline.

Labcorp Genetics (formerly Invitae), Labcorp
Classification: Uncertain significance for Parkinsonian-pyramidal syndrome. Last evaluated: 2021-09-01. Review status: criteria provided, single submitter. Criteria: Invitae Variant Classification Sherloc (09022015). Collection method: clinical testing. Allele origin: germline.
Comment: This sequence change replaces serine with isoleucine at codon 462 of the FBXO7 protein (p.Ser462Ile). The serine residue is weakly conserved and there is a large physicochemical difference between serine and isoleucine. This variant is present in population databases (rs149552421, ExAC 0.007%). This variant has not been reported in the literature in individuals affected with FBXO7-related conditions. Algorithms developed to predict the effect of missense changes on protein structure and function are either unavailable or do not agree on the potential impact of this missense change (SIFT: "Deleterious"; PolyPhen-2: "Benign"; Align-GVGD: "Class C0"). In summary, the available evidence is currently insufficient to determine the role of this variant in disease. Therefore, it has been classified as a Variant of Uncertain Significance.

GeneDx
Classification: Uncertain significance. Last evaluated: 2019-10-11. Review status: criteria provided, single submitter. Criteria: GeneDx Variant Classification Process June 2021. Collection method: clinical testing. Allele origin: germline. Affected: yes.
Comment: Not observed at a significant frequency in large population cohorts (Lek et al., 2016); In silico analysis, which includes protein predictors and evolutionary conservation, supports that this variant does not alter protein structure/function; Has not been previously published as pathogenic or benign to our knowledge

NM_012179.4(FBXO7):c.1385G>T (p.Ser462Ile)

Gene: FBXO7 (F-box protein 7; plus strand). Cytogenetic location: 22q12.3.
Variant type: single nucleotide variant.
Coding change: c.1385G>T on transcript NM_012179.4 (MANE Select); coding-DNA position 1385, G replaced by T.
Protein change: p.Ser462Ile; replaces serine 462 with isoleucine.
Molecular consequence: missense variant.
Genome position (GRCh38, 1-based): chr22:32,498,346, G>T. VCF-style: chr22-32498346-G-T. GRCh37 (hg19) VCF-style: chr22-32894333-G-T.
Other names: c.1148G>T, p.Ser383Ile (NM_001033024.2); c.1043G>T, p.Ser348Ile (NM_001257990.2); short protein forms S348I, S383I, S462I.
Identifiers: ClinVar variation 655787 (VCV000655787.8), dbSNP rs149552421, ClinGen allele CA10201733.